The following is an entry in ClinVar:

NM_004247.4(EFTUD2):c.702+1G>C

Gene: EFTUD2 (elongation factor Tu GTP binding domain containing 2; minus strand). Cytogenetic location: 17q21.31.
Variant type: single nucleotide variant.
Coding change: c.702+1G>C on transcript NM_004247.4 (MANE Select); the canonical splice donor site of the intron after coding-DNA position 702, G replaced by C.
Molecular consequence: splice donor variant.
Genome position (GRCh38, 1-based): chr17:44,879,555, C>G on the plus strand (G>C on the coding strand, the complement: EFTUD2 is on the minus strand). VCF-style: chr17-44879555-C-G. GRCh37 (hg19) VCF-style: chr17-42956923-C-G.
Other names: c.597+1G>C (NM_001142605.2); c.672+1G>C (NM_001258354.2); c.702+1G>C (NM_001258353.2).
Identifiers: ClinVar variation 4847678 (VCV004847678.1).

ClinVar aggregate classification (germline): Likely pathogenic (1 of 4 stars; one submission).

Conditions:
Mandibulofacial dysostosis-microcephaly syndrome (MFDGA). Also called: Growth and mental retardation, mandibulofacial dysostosis, microcephaly, and cleft palate; Mandibulofacial dysostosis, Guion-Almeida type. Identifiers: Orphanet 79113, MedGen C1864652, MONDO:0012516, OMIM 610536.

Submission:

Women's Health and Genetics/Laboratory Corporation of America, LabCorp
Classification: Likely pathogenic for Mandibulofacial dysostosis-microcephaly syndrome. Last evaluated: 2026-03-25. Review status: criteria provided, single submitter. Criteria: LabCorp Variant Classification Summary - May 2015. Collection method: clinical testing. Allele origin: germline.
Comment: Variant summary: EFTUD2 c.702+1G>C is located in a canonical splice-site and is predicted to affect mRNA splicing resulting in a significantly altered protein due to either exon skipping, shortening, or inclusion of intronic material. Variants that disrupt the consensus splice site are a relatively common cause of aberrant splicing and loss of EFTUD2 function. Several computational tools predict a significant impact on normal splicing: Four predict the variant abolishes a 5' splicing donor site. However, these predictions have yet to be confirmed by functional studies. The variant was absent in 251258 control chromosomes. To our knowledge, no experimental evidence demonstrating an impact on protein function has been reported. No submitters have cited clinical-significance assessments for this variant to ClinVar. Based on the evidence outlined above, the variant was classified as likely pathogenic.